The following is an entry in ClinVar:

ClinVar aggregate classification (germline): Uncertain significance (1 of 4 stars; one submission).

Submission:

Labcorp Genetics (formerly Invitae), Labcorp
Classification: Uncertain significance. Last evaluated: 2022-08-09. Review status: criteria provided, single submitter. Criteria: Invitae Variant Classification Sherloc (09022015). Collection method: clinical testing. Allele origin: germline.
Comment: This sequence change falls in intron 9 of the ATAD1 gene. It does not directly change the encoded amino acid sequence of the ATAD1 protein. It affects a nucleotide within the consensus splice site. This variant is not present in population databases (gnomAD no frequency). This variant has not been reported in the literature in individuals affected with ATAD1-related conditions. Variants that disrupt the consensus splice site are a relatively common cause of aberrant splicing (PMID: 17576681, 9536098). Algorithms developed to predict the effect of sequence changes on RNA splicing suggest that this variant may disrupt the consensus splice site. In summary, the available evidence is currently insufficient to determine the role of this variant in disease. Therefore, it has been classified as a Variant of Uncertain Significance.

Literature cited by the submitters: PubMed 17576681; PubMed 9536098.

NM_001321967.2(ATAD1):c.965+1G>T

Gene: ATAD1 (ATPase family AAA domain containing 1; minus strand). Cytogenetic location: 10q23.31.
Variant type: single nucleotide variant.
Coding change: c.965+1G>T on transcript NM_001321967.2 (MANE Select); the canonical splice donor site of the intron after coding-DNA position 965, G replaced by T.
Molecular consequence: splice donor variant.
Genome position (GRCh38, 1-based): chr10:87,756,788, C>A on the plus strand (G>T on the coding strand, the complement: ATAD1 is on the minus strand). VCF-style: chr10-87756788-C-A. GRCh37 (hg19) VCF-style: chr10-89516545-C-A.
Other names: c.875+1G>T (NM_001321968.2); c.608+1G>T (NM_001321969.2); c.965+1G>T (NM_032810.4).
Identifiers: ClinVar variation 2047211 (VCV002047211.1), dbSNP rs2492924643, ClinGen allele CA377486176.